The following is an entry in ClinVar:

NM_001267550.2(TTN):c.5413C>T (p.Gln1805Ter)

Gene: TTN (titin; minus strand). Cytogenetic location: 2q31.2.
Variant type: single nucleotide variant.
Coding change: c.5413C>T on transcript NM_001267550.2 (MANE Select); coding-DNA position 5413, C replaced by T.
Protein change: p.Gln1805Ter; replaces glutamine 1805 with a stop codon.
Molecular consequence: nonsense.
Genome position (GRCh38, 1-based): chr2:178,776,451, G>A on the plus strand (C>T on the coding strand, the complement: TTN is on the minus strand). VCF-style: chr2-178776451-G-A. GRCh37 (hg19) VCF-style: chr2-179641178-G-A.
Other names: c.5413C>T, p.Gln1805Ter (NM_001256850.1, NM_133378.4, NM_133379.5); c.5275C>T, p.Gln1759Ter (NM_003319.4, NM_133432.3, NM_133437.4); short protein forms Q1759*, Q1805*.
Identifiers: ClinVar variation 3748005 (VCV003748005.2).

ClinVar aggregate classification (germline): Likely pathogenic (1 of 4 stars; one submission).

Conditions:
Dilated cardiomyopathy 1G (CMD1G). Identifiers: Orphanet 154, MedGen C1858763, MONDO:0011400, OMIM 604145.
Autosomal recessive limb-girdle muscular dystrophy type 2J (LGMDR10). Also called: Limb-girdle muscular dystrophy, type 2J; MUSCULAR DYSTROPHY, LIMB-GIRDLE, AUTOSOMAL RECESSIVE 10. Identifiers: Orphanet 140922, MedGen C1837342, MONDO:0012127, OMIM 608807.

Submission:

Labcorp Genetics (formerly Invitae), Labcorp
Classification: Likely pathogenic for Dilated cardiomyopathy 1G; Autosomal recessive limb-girdle muscular dystrophy type 2J. Last evaluated: 2024-10-18. Review status: criteria provided, single submitter. Criteria: Invitae Variant Classification Sherloc (09022015). Collection method: clinical testing. Allele origin: germline.
Comment: This sequence change creates a premature translational stop signal (p.Gln1805*) in the TTN gene. While this is not anticipated to result in nonsense mediated decay, it is expected to create a truncated TTN protein. This variant is not present in population databases (gnomAD no frequency). This variant has not been observed in the literature in individuals with autosomal recessive TTN-related conditions. This variant has been reported in individual(s) with dilated cardiomyopathy (internal data); however, the role of the variant in this condition is currently unclear. This variant is located in the Z band of TTN (PMID: 25589632). Truncating variants in this region have been reported in individuals affected with autosomal recessive centronuclear myopathy (PMID: 33449170, internal data). Truncating variants in this region have also been identified in individuals affected with autosomal dominant dilated cardiomyopathy and/or cardio-related conditions (PMID: 27869827, 32964742, internal data). In summary, the currently available evidence indicates that the variant is pathogenic, but additional data are needed to prove that conclusively. Therefore, this variant has been classified as Likely Pathogenic.

Literature cited by the submitters: PubMed 25589632; PubMed 33449170; PubMed 27869827; PubMed 32964742.